The following is an entry in ClinVar:

ClinVar aggregate classification (germline): Uncertain significance. Review status: criteria provided, multiple submitters, no conflicts (2 of 4 stars). 2 submissions from 2 submitters: Uncertain significance (2). Last evaluated 2026-03-04.

Conditions:
PCSK1-related disorder. Also called: PCSK1-related condition.
Inborn genetic diseases. Identifiers: MedGen C0950123, MeSH D030342.

gnomAD v4.1: 3 of 1,613,982 alleles (0.00019%); highest among the groups gnomAD compares: Admixed American, 0.005%; no homozygotes.

Submissions (2):

PreventionGenetics, part of Exact Sciences
Classification: Uncertain significance for PCSK1-related condition. Last evaluated: 2026-03-04. Review status: criteria provided, single submitter. Criteria: ACMG Guidelines, 2015. Collection method: clinical testing. Allele origin: germline.
Comment: The PCSK1 c.128C>A variant is predicted to result in the amino acid substitution p.Pro43Gln. To our knowledge, this variant has not been reported in the literature. This variant is reported in 0.0058% of alleles in individuals of Latino descent in gnomAD. At this time, the clinical significance of this variant is uncertain due to the absence of conclusive functional and genetic evidence.

Ambry Genetics
Classification: Uncertain significance for Inborn genetic diseases. Last evaluated: 2025-04-17. Review status: criteria provided, single submitter. Criteria: Ambry Variant Classification Scheme 2023. Collection method: clinical testing. Allele origin: germline.

NM_000439.5(PCSK1):c.128C>A (p.Pro43Gln)

Genes: CAST (calpastatin; plus strand), PCSK1 (proprotein convertase subtilisin/kexin type 1; minus strand), LOC101929710 (uncharacterized LOC101929710; plus strand). Cytogenetic location: 5q15.
Variant type: single nucleotide variant.
Coding change: c.128C>A on transcript NM_000439.5 (MANE Select); coding-DNA position 128, C replaced by A.
Protein change: p.Pro43Gln; replaces proline 43 with glutamine.
Molecular consequence: missense variant. On other transcripts: intron variant (11).
Genome position (GRCh38, 1-based): chr5:96,432,915, G>T on the plus strand (C>A on the coding strand, the complement: PCSK1 is on the minus strand). VCF-style: chr5-96432915-G-T. GRCh37 (hg19) VCF-style: chr5-95768619-G-T.
Other names: c.-175+53263G>T (NM_001423254.1, NM_001423259.1, NM_001423255.1 and 6 more transcripts); c.-103+53263G>T (NM_001423253.1); c.-40+53263G>T (NM_001423258.1); short protein forms P43Q.
Identifiers: ClinVar variation 3929732 (VCV003929732.2).